The following is an entry in ClinVar:

NM_000235.4(LIPA):c.733A>T (p.Thr245Ser)

Gene: LIPA (lipase A, lysosomal acid type; minus strand). Cytogenetic location: 10q23.31.
Variant type: single nucleotide variant.
Coding change: c.733A>T on transcript NM_000235.4 (MANE Select); coding-DNA position 733, A replaced by T.
Protein change: p.Thr245Ser; replaces threonine 245 with serine.
Molecular consequence: missense variant.
Genome position (GRCh38, 1-based): chr10:89,223,773, T>A on the plus strand (A>T on the coding strand, the complement: LIPA is on the minus strand). VCF-style: chr10-89223773-T-A. GRCh37 (hg19) VCF-style: chr10-90983530-T-A.
Other names: c.733A>T, p.Thr245Ser (NM_001127605.3); c.385A>T, p.Thr129Ser (NM_001288979.2); short protein forms T245S, T129S.
Identifiers: ClinVar variation 2451680 (VCV002451680.2), dbSNP rs2495579753, ClinGen allele CA377517003.

ClinVar aggregate classification (germline): Uncertain significance (1 of 4 stars; one submission).

Conditions:
Cardiovascular phenotype. Identifiers: MedGen CN230736.

Submission:

Ambry Genetics
Classification: Uncertain significance for Cardiovascular phenotype. Last evaluated: 2023-03-13. Review status: criteria provided, single submitter. Criteria: Ambry Variant Classification Scheme 2023. Collection method: clinical testing. Allele origin: germline.
Comment: The p.T245S variant (also known as c.733A>T), located in coding exon 6 of the LIPA gene, results from an A to T substitution at nucleotide position 733. The threonine at codon 245 is replaced by serine, an amino acid with similar properties. This amino acid position is conserved. In addition, this alteration is predicted to be tolerated by in silico analysis. Since supporting evidence is limited at this time, the clinical significance of this alteration remains unclear.